The following is an entry in ClinVar:

ClinVar aggregate classification (germline): Likely pathogenic (1 of 4 stars; one submission).

Submission:

Labcorp Genetics (formerly Invitae), Labcorp
Classification: Likely pathogenic. Last evaluated: 2024-08-31. Review status: criteria provided, single submitter. Criteria: Invitae Variant Classification Sherloc (09022015). Collection method: clinical testing. Allele origin: germline.
Comment: This variant results in the deletion of part of exon 3 (c.124-6_135del) of the DNAAF4 gene. It is expected to disrupt RNA splicing. Variants that disrupt the donor or acceptor splice site typically lead to a loss of protein function (PMID: 16199547), and loss-of-function variants in DNAAF4 are known to be pathogenic (PMID: 23872636). This variant is not present in population databases (gnomAD no frequency). This variant has not been reported in the literature in individuals affected with DNAAF4-related conditions. In summary, the currently available evidence indicates that the variant is pathogenic, but additional data are needed to prove that conclusively. Therefore, this variant has been classified as Likely Pathogenic.

Literature cited by the submitters: PubMed 16199547; PubMed 23872636.

NM_130810.4(DNAAF4):c.124-6_135del

Genes: DNAAF4 (dynein axonemal assembly factor 4; minus strand), DNAAF4-CCPG1 (DNAAF4-CCPG1 readthrough (NMD candidate); minus strand). Cytogenetic location: 15q21.3.
Variant type: Deletion.
Coding change: c.124-6_135del on transcript NM_130810.4 (MANE Select); 6 bases into the intron before coding-DNA position 124 through coding-DNA position 135, 18 bases deleted (GCATAGGTCAACTTTCCT).
Molecular consequence: splice acceptor variant.
Genome position (GRCh38, 1-based): chr15:55,497,848-55,497,865, AGGAAAGTTGACCTATGC deleted on the plus strand (GCATAGGTCAACTTTCCT on the coding strand, the reverse complement: DNAAF4 is on the minus strand); deleting any 18 consecutive bases within chr15:55,497,848-55,497,867 gives the same sequence; the c. name uses the placement nearest the transcript's 3' end. VCF-style (leftmost placement, unchanged base first): chr15-55497847-GAGGAAAGTTGACCTATGC-G. GRCh37 (hg19) VCF-style: chr15-55790045-GAGGAAAGTTGACCTATGC-G.
Other names: c.124-6_135del (NM_001033560.2, NM_001033559.3).
Identifiers: ClinVar variation 3662382 (VCV003662382.2).